The following is an entry in ClinVar:

NM_006947.4(SRP72):c.1882C>T (p.Pro628Ser)

Gene: SRP72 (signal recognition particle 72; plus strand). Cytogenetic location: 4q12.
Variant type: single nucleotide variant.
Coding change: c.1882C>T on transcript NM_006947.4 (MANE Select); coding-DNA position 1882, C replaced by T.
Protein change: p.Pro628Ser; replaces proline 628 with serine.
Molecular consequence: missense variant. On other transcripts: non-coding transcript variant (1).
Genome position (GRCh38, 1-based): chr4:56,501,727, C>T. VCF-style: chr4-56501727-C-T. GRCh37 (hg19) VCF-style: chr4-57367893-C-T.
Other names: c.1699C>T, p.Pro567Ser (NM_001267722.2); short protein forms P628S, P567S.
Identifiers: ClinVar variation 4174923 (VCV004174923.1).
Genomic context (GRCh38, chr4:56,501,727, plus strand): 5'-TGATCTGATGATTTCAGGGATGCCAGTAAAACTGTGAGCAGCCCACCCACCTCCCCAAGA[C>T]CTGGCAGTGCTGCAACAGTATCTGCCTCTACAAGTAACATCATACCCCCAAGACACCAGA-3'
Protein context (NP_008878.3, residues 618-638): TVSSPPTSPR[Pro628Ser]GSAATVSAST

ClinVar aggregate classification (germline): Uncertain significance (1 of 4 stars; one submission).

gnomAD v4.1: 2 of 1,614,142 alleles (0.00012%); highest among the groups gnomAD compares: Admixed American, 0.0017%; no homozygotes.

Submission:

Ambry Genetics
Classification: Uncertain significance. Last evaluated: 2025-07-07. Review status: criteria provided, single submitter. Criteria: Ambry Variant Classification Scheme 2023. Collection method: clinical testing. Allele origin: germline.
Comment: The p.P628S variant (also known as c.1882C>T), located in coding exon 19 of the SRP72 gene, results from a C to T substitution at nucleotide position 1882. The proline at codon 628 is replaced by serine, an amino acid with similar properties. This amino acid position is conserved. In addition, this alteration is predicted to be tolerated by in silico analysis. Based on the available evidence, the clinical significance of this variant remains unclear.